The following is an entry in ClinVar:

NM_006269.2(RP1):c.2591_2600del (p.Ile864fs)

Gene: RP1 (RP1 axonemal microtubule associated; plus strand). Cytogenetic location: 8q12.1.
Variant type: Deletion.
Coding change: c.2591_2600del on transcript NM_006269.2 (MANE Select); coding-DNA positions 2591 to 2600, 10 bases deleted (TAACTTTAAA; older notation c.2591_2600delTAACTTTAAA).
Protein change: p.Ile864fs; shifts the reading frame from isoleucine 864.
Molecular consequence: frameshift variant. On other transcripts: intron variant (1).
Genome position (GRCh38, 1-based): chr8:54,626,473-54,626,482, TAACTTTAAA deleted; deleting any 10 consecutive bases within chr8:54,626,472-54,626,482 gives the same sequence; the c. name uses the placement nearest the transcript's 3' end. VCF-style (leftmost placement, unchanged base first): chr8-54626471-CATAACTTTAA-C. GRCh37 (hg19) VCF-style: chr8-55539031-CATAACTTTAA-C.
Other names: c.787+4185_787+4194del (NM_001375654.1); short protein forms I864fs.
Identifiers: ClinVar variation 2735173 (VCV002735173.4), dbSNP rs2536575668, ClinGen allele CA2687301838.

ClinVar aggregate classification (germline): Pathogenic. Review status: criteria provided, multiple submitters, no conflicts (2 of 4 stars). 2 submissions from 2 submitters: Pathogenic (2). Last evaluated 2024-10-24.

Conditions:
RP1-related disorder. Also called: RP1-related condition.

Submissions (2):

Blueprint Genetics
Classification: Pathogenic for RP1-related disorders. Last evaluated: 2024-10-24. Review status: criteria provided, single submitter. Criteria: ACMG Guidelines, 2015. Collection method: clinical testing. Allele origin: germline. Affected: yes. Observed: 3 variant alleles.

Labcorp Genetics (formerly Invitae), Labcorp
Classification: Pathogenic. Last evaluated: 2023-01-22. Review status: criteria provided, single submitter. Criteria: Invitae Variant Classification Sherloc (09022015). Collection method: clinical testing. Allele origin: germline.
Comment: This sequence change creates a premature translational stop signal (p.Ile864Lysfs*11) in the RP1 gene. While this is not anticipated to result in nonsense mediated decay, it is expected to disrupt the last 1293 amino acid(s) of the RP1 protein. For these reasons, this variant has been classified as Pathogenic. This variant disrupts the C-terminus of the RP1 protein. Many variants that disrupt this region have been reported in individuals with either autosomal dominant or autosomal recessive retinitis pigmentosa (PMID: 11527933, 19933189, 29425069, 30027431, 33681214). Therefore, variants that disrupt this region are expected to be disease-causing. This variant is also known as 2590_2599delATAACTTTAA. This premature translational stop signal has been observed in individual(s) with retinitis pigmentosa (PMID: 16568030). This variant is not present in population databases (gnomAD no frequency).

Literature cited by the submitters: PubMed 11527933 (cited by Labcorp Genetics (formerly Invitae), Labcorp); PubMed 19933189 (cited by Labcorp Genetics (formerly Invitae), Labcorp); PubMed 29425069 (cited by Labcorp Genetics (formerly Invitae), Labcorp); PubMed 30027431 (cited by Labcorp Genetics (formerly Invitae), Labcorp); PubMed 33681214 (cited by Labcorp Genetics (formerly Invitae), Labcorp); PubMed 16568030 (cited by Labcorp Genetics (formerly Invitae), Labcorp).